The following is an entry in ClinVar:

ClinVar aggregate classification (germline): Uncertain significance. Review status: criteria provided, multiple submitters, no conflicts (2 of 4 stars). 2 submissions from 2 submitters: Uncertain significance (2). Last evaluated 2024-04-10.

Conditions:
Charcot-Marie-Tooth disease axonal type 2O. Also called: CHARCOT-MARIE-TOOTH NEUROPATHY, AXONAL, TYPE 2O; CHARCOT-MARIE-TOOTH DISEASE, AXONAL, AUTOSOMAL DOMINANT, TYPE 2O; Charcot-Marie-Tooth Neuropathy Type 2O; Charcot-Marie-Tooth disease, axonal, type 20. Identifiers: Orphanet 284232, MedGen C3280220, MONDO:0013644, OMIM 614228.

Allele frequency attached by ClinVar (database versions not stated): TOPMed below 0.00001; gnomAD 0.00001; gnomAD exomes 0.00001; ExAC 0.00002.
gnomAD v4.1: 14 of 1,614,052 alleles (0.00087%); highest among the groups gnomAD compares: South Asian, 0.0044%; no homozygotes.

Submissions (2):

Labcorp Genetics (formerly Invitae), Labcorp
Classification: Uncertain significance for Charcot-Marie-Tooth disease axonal type 2O. Last evaluated: 2024-04-10. Review status: criteria provided, single submitter. Criteria: Invitae Variant Classification Sherloc (09022015). Collection method: clinical testing. Allele origin: germline.
Comment: This sequence change replaces aspartic acid, which is acidic and polar, with asparagine, which is neutral and polar, at codon 655 of the DYNC1H1 protein (p.Asp655Asn). This variant is present in population databases (rs773408379, gnomAD 0.01%). This missense change has been observed in individual(s) with clinical features of DYNC1H1-related conditions (PMID: 31127727, 32376792). ClinVar contains an entry for this variant (Variation ID: 2081325). Advanced modeling of protein sequence and biophysical properties (such as structural, functional, and spatial information, amino acid conservation, physicochemical variation, residue mobility, and thermodynamic stability) performed at Invitae indicates that this missense variant is expected to disrupt DYNC1H1 protein function with a positive predictive value of 80%. In summary, the available evidence is currently insufficient to determine the role of this variant in disease. Therefore, it has been classified as a Variant of Uncertain Significance.

Neuberg Centre For Genomic Medicine, NCGM
Classification: Uncertain significance for Charcot-Marie-Tooth disease axonal type 2O. Review status: criteria provided, single submitter. Criteria: ACMG Guidelines, 2015. Collection method: clinical testing. Allele origin: germline. Inheritance: Autosomal dominant inheritance. Affected: yes.
Comment: The missense variant c.1963G>A (p.Asp655Asn) in DYNC1H1 gene has not been reported previously as a pathogenic variant nor as a benign variant, to our knowledge. The p.Asp655Asn variant has been submitted allele frequency 0.00176% in gnomAD exomes and novel (not in any individuals) in 1000 Genomes. This variant has not been reported to the ClinVar database. The amino acid Asp at position 655 is changed to a Asn changing protein sequence and it might alter its composition and physico-chemical properties. The amino acid change p.Asp655Asn in DYNC1H1 is predicted as conserved by GERP++ and PhyloP across 100 vertebrates. The p.Asp655Asn variant is novel (not in any individuals) in 1000 Genomes. For these reasons, this variant has been classified as Uncertain Significance (VUS).

Literature cited by the submitters: PubMed 31127727 (cited by Labcorp Genetics (formerly Invitae), Labcorp); PubMed 32376792 (cited by Labcorp Genetics (formerly Invitae), Labcorp).

NM_001376.5(DYNC1H1):c.1963G>A (p.Asp655Asn)

Gene: DYNC1H1 (dynein cytoplasmic 1 heavy chain 1; plus strand). Cytogenetic location: 14q32.31.
Variant type: single nucleotide variant.
Coding change: c.1963G>A on transcript NM_001376.5 (MANE Select); coding-DNA position 1963, G replaced by A.
Protein change: p.Asp655Asn; replaces aspartic acid 655 with asparagine.
Molecular consequence: missense variant.
Genome position (GRCh38, 1-based): chr14:101,986,188, G>A. VCF-style: chr14-101986188-G-A. GRCh37 (hg19) VCF-style: chr14-102452525-G-A.
Other names: short protein forms D655N.
Identifiers: ClinVar variation 2081325 (VCV002081325.5), dbSNP rs773408379, ClinGen allele CA7351754.